The following is an entry in ClinVar:

NM_004360.5(CDH1):c.837C>T (p.Thr279=)

Gene: CDH1 (cadherin 1; plus strand). Cytogenetic location: 16q22.1.
Variant type: single nucleotide variant.
Coding change: c.837C>T on transcript NM_004360.5 (MANE Select); coding-DNA position 837, C replaced by T.
Protein change: p.Thr279=; no amino-acid change (threonine 279 retained).
Molecular consequence: synonymous variant. On other transcripts: 5 prime UTR variant (2).
Genome position (GRCh38, 1-based): chr16:68,811,688, C>T. VCF-style: chr16-68811688-C-T. GRCh37 (hg19) VCF-style: chr16-68845591-C-T.
Other names: c.837C>T (LRG_301t1); c.837C>T, p.Thr279= (NM_001317184.2); c.-779C>T (NM_001317185.2); c.-983C>T (NM_001317186.2).
Identifiers: ClinVar variation 532494 (VCV000532494.18), dbSNP rs1364692858, ClinGen allele CA496152842.

ClinVar aggregate classification (germline): Benign/Likely benign. Review status: criteria provided, multiple submitters, no conflicts (2 of 4 stars). 4 submissions from 4 submitters: Benign (1); Likely benign (3). Last evaluated 2025-10-23.

Conditions:
Hereditary cancer-predisposing syndrome. Also called: Neoplastic Syndromes, Hereditary; Hereditary neoplastic syndrome; Tumor predisposition; Hereditary Cancer Syndrome. Identifiers: Orphanet 140162, MedGen C0027672, MeSH D009386, MONDO:0015356.
Hereditary diffuse gastric adenocarcinoma (HDGC). Also called: DIFFUSE GASTRIC AND LOBULAR BREAST CANCER SYNDROME. Identifiers: Orphanet 26106, MedGen C1708349, MONDO:0007648, OMIM 137215.

Allele frequency attached by ClinVar (database versions not stated): gnomAD exomes below 0.00001; TOPMed 0.00001.
gnomAD v4.1: 1 of 1,613,950 alleles (0.000062%); highest among the groups gnomAD compares: Non-Finnish European, 0.000085%; no homozygotes.

Submissions (4):

Labcorp Genetics (formerly Invitae), Labcorp
Classification: Likely benign for Hereditary diffuse gastric adenocarcinoma. Last evaluated: 2025-10-23. Review status: criteria provided, single submitter. Criteria: Invitae Variant Classification Sherloc (09022015). Collection method: clinical testing. Allele origin: germline.

Myriad Genetics, Inc.
Classification: Benign for Hereditary diffuse gastric adenocarcinoma. Last evaluated: 2024-09-16. Review status: criteria provided, single submitter. Criteria: Myriad Autosomal Dominant, Autosomal Recessive and X-Linked Classification Criteria (2023). Collection method: clinical testing. Allele origin: unknown.
Comment: This variant is considered benign. This variant is a silent/synonymous amino acid change and it is not expected to impact splicing.

Color Diagnostics, LLC DBA Color Health
Classification: Likely benign for Hereditary cancer-predisposing syndrome. Last evaluated: 2019-01-07. Review status: criteria provided, single submitter. Criteria: ACMG Guidelines, 2015. Collection method: clinical testing. Allele origin: germline.

Ambry Genetics
Classification: Likely benign for Hereditary cancer-predisposing syndrome. Last evaluated: 2017-11-16. Review status: criteria provided, single submitter. Criteria: Ambry Variant Classification Scheme 2023. Collection method: clinical testing. Allele origin: germline.